The following is an entry in ClinVar:

NM_000264.5(PTCH1):c.949C>G (p.Leu317Val)

Gene: PTCH1 (patched 1; minus strand). Cytogenetic location: 9q22.32.
Variant type: single nucleotide variant.
Coding change: c.949C>G on transcript NM_000264.5 (MANE Select); coding-DNA position 949, C replaced by G.
Protein change: p.Leu317Val; replaces leucine 317 with valine.
Molecular consequence: missense variant. On other transcripts: non-coding transcript variant (1).
Genome position (GRCh38, 1-based): chr9:95,480,087, G>C on the plus strand (C>G on the coding strand, the complement: PTCH1 is on the minus strand). VCF-style: chr9-95480087-G-C. GRCh37 (hg19) VCF-style: chr9-98242369-G-C.
Other names: c.751C>G, p.Leu251Val (NM_001083602.3); c.946C>G, p.Leu316Val (NM_001083603.3); c.496C>G, p.Leu166Val (NM_001083604.3, NM_001083605.3, NM_001083606.3 and 1 more transcripts); c.949C>G, p.Leu317Val (NM_001354918.2); short protein forms L166V, L316V, L317V, L251V.
Identifiers: ClinVar variation 661234 (VCV000661234.14), dbSNP rs1380199153, ClinGen allele CA374119830.

ClinVar aggregate classification (germline): Uncertain significance. Review status: criteria provided, multiple submitters, no conflicts (2 of 4 stars). 2 submissions from 2 submitters: Uncertain significance (2). Last evaluated 2026-01-06.

Conditions:
Hereditary cancer-predisposing syndrome. Also called: Neoplastic Syndromes, Hereditary; Hereditary neoplastic syndrome; Tumor predisposition; Hereditary Cancer Syndrome. Identifiers: Orphanet 140162, MedGen C0027672, MeSH D009386, MONDO:0015356.
Gorlin syndrome. Also called: Nevoid Basal Cell Carcinoma Syndrome; Basal cell nevus syndrome. Identifiers: Orphanet 377, MedGen C0004779, MONDO:0007187.

Allele frequency attached by ClinVar (database versions not stated): gnomAD 0.00001; gnomAD exomes 0.00001; TOPMed 0.00001.
gnomAD v4.1: 13 of 1,613,846 alleles (0.00081%); highest among the groups gnomAD compares: Non-Finnish European, 0.00085%; no homozygotes.

Submissions (2):

Labcorp Genetics (formerly Invitae), Labcorp
Classification: Uncertain significance for Gorlin syndrome. Last evaluated: 2026-01-06. Review status: criteria provided, single submitter. Criteria: Invitae Variant Classification Sherloc (09022015). Collection method: clinical testing. Allele origin: germline.
Comment: This sequence change replaces leucine, which is neutral and non-polar, with valine, which is neutral and non-polar, at codon 317 of the PTCH1 protein (p.Leu317Val). This variant is not present in population databases (gnomAD no frequency). This variant has not been reported in the literature in individuals affected with PTCH1-related conditions. ClinVar contains an entry for this variant (Variation ID: 661234). Invitae Evidence Modeling of protein sequence and biophysical properties (such as structural, functional, and spatial information, amino acid conservation, physicochemical variation, residue mobility, and thermodynamic stability) indicates that this missense variant is not expected to disrupt PTCH1 protein function with a negative predictive value of 95%. In summary, the available evidence is currently insufficient to determine the role of this variant in disease. Therefore, it has been classified as a Variant of Uncertain Significance.

Ambry Genetics
Classification: Uncertain significance for Hereditary cancer-predisposing syndrome. Last evaluated: 2024-12-06. Review status: criteria provided, single submitter. Criteria: Ambry Variant Classification Scheme 2023. Collection method: clinical testing. Allele origin: germline.
Comment: The p.L317V variant (also known as c.949C>G), located in coding exon 7 of the PTCH1 gene, results from a C to G substitution at nucleotide position 949. The leucine at codon 317 is replaced by valine, an amino acid with highly similar properties. This amino acid position is not well conserved in available vertebrate species. In addition, this alteration is predicted to be tolerated by in silico analysis. Since supporting evidence is limited at this time, the clinical significance of this alteration remains unclear.